The following is an entry in ClinVar:

ClinVar aggregate classification (germline): Conflicting classifications of pathogenicity. Review status: criteria provided, conflicting classifications (1 of 4 stars). 9 submissions from 9 submitters: Uncertain significance (3); Likely benign (5). 1 of the submissions does not count toward it. Last evaluated 2026-01-20.

Conditions:
Breast and/or ovarian cancer. Identifiers: MedGen CN221562.
Hereditary cancer-predisposing syndrome. Also called: Neoplastic Syndromes, Hereditary; Tumor predisposition; Hereditary Cancer Syndrome; Hereditary neoplastic syndrome. Identifiers: Orphanet 140162, MedGen C0027672, MeSH D009386, MONDO:0015356.
Hereditary breast ovarian cancer syndrome. Also called: Breast and ovarian cancer; Hereditary breast and ovarian cancer; Hereditary breast and/or ovarian cancer syndrome; BRCA1- and BRCA2-Associated Hereditary Breast and Ovarian Cancer; Hereditary breast and ovarian cancer syndrome; Hereditary breast and ovarian cancer syndrome (HBOC). Identifiers: Orphanet 145, MedGen C0677776, MeSH D061325, MONDO:0003582. Disease mechanism: loss of function.
Malignant tumor of breast. Also called: Malignant breast neoplasm; Cancer breast. Identifiers: MedGen C0006142, MONDO:0007254. Disease mechanism: loss of function.

gnomAD v4.1: 2 of 1,613,836 alleles (0.00012%); no homozygotes.

Submissions (9):

Labcorp Genetics (formerly Invitae), Labcorp
Classification: Likely benign for Hereditary breast ovarian cancer syndrome. Last evaluated: 2026-01-20. Review status: criteria provided, single submitter. Criteria: Invitae Variant Classification Sherloc (09022015). Collection method: clinical testing. Allele origin: germline.

Ambry Genetics
Classification: Likely benign for Hereditary cancer-predisposing syndrome. Last evaluated: 2024-02-13. Review status: criteria provided, single submitter. Criteria: Ambry Variant Classification Scheme 2023. Collection method: clinical testing. Allele origin: germline.

University of Washington Department of Laboratory Medicine, University of Washington
Classification: Likely benign for Hereditary cancer-predisposing syndrome. Last evaluated: 2023-03-23. Review status: criteria provided, single submitter. Criteria: Dines et al. (Genet Med. 2020). Collection method: curation. Allele origin: germline.
Comment: Missense variant in a coldspot region where missense variants are very unlikely to be pathogenic (PMID:31911673).

BRCA2 exon 11 coldspot. Reclassification based on statistical prior probability.

Quest Diagnostics Nichols Institute San Juan Capistrano
Classification: Uncertain significance. Last evaluated: 2022-08-16. Review status: criteria provided, single submitter. Criteria: Quest Diagnostics criteria. Collection method: clinical testing. Allele origin: unknown.
Comment: To the best of our knowledge, the variant has not been reported in the published literature. It also has not been reported in large, multi-ethnic general populations. Analysis of this variant using bioinformatics tools for the prediction of the effect of amino acid changes on protein structure and function yielded predictions that this variant is benign. Based on the available information, we are unable to determine the clinical significance of this variant.

GeneDx
Classification: Likely benign. Last evaluated: 2019-10-18. Review status: criteria provided, single submitter. Criteria: GeneDx Variant Classification Process June 2021. Collection method: clinical testing. Allele origin: germline. Affected: yes.

CHEO Genetics Diagnostic Laboratory, Children's Hospital of Eastern Ontario
Classification: Uncertain significance for Breast and/or ovarian cancer. Last evaluated: 2017-05-17. Review status: criteria provided, single submitter. Criteria: ACMG Guidelines, 2015. Collection method: clinical testing. Allele origin: germline. Study: Canadian Open Genetics Repository.

Women's Health and Genetics/Laboratory Corporation of America, LabCorp
Classification: Uncertain significance. Last evaluated: 2016-06-06. Review status: criteria provided, single submitter. Criteria: LabCorp Variant Classification Summary - May 2015. Collection method: clinical testing. Allele origin: germline.
Comment: Variant summary: The BRCA2 c.2999T>C (p.Ile1000Thr) variant involves the alteration of a non-conserved nucleotide. 3/5 in silico tools predict a benign outcome. This variant was absent in 120332 control chromosomes. In addition, multiple clinical diagnostic laboratories/reputable databases classified this variant as a VUS. The variant of interest has not, to our knowledge, been reported in affected individuals via publications and/or reputable databases/clinical diagnostic laboratories; nor evaluated for functional impact by in vivo/vitro studies. Because of the absence of clinical information and the lack of functional studies, the variant was classified as a variant of uncertain significance (VUS) until additional information becomes available.

Color Diagnostics, LLC DBA Color Health
Classification: Likely benign for Hereditary cancer-predisposing syndrome. Last evaluated: 2015-11-17. Review status: criteria provided, single submitter. Criteria: ACMG Guidelines, 2015. Collection method: clinical testing. Allele origin: germline.

Department of Pathology and Laboratory Medicine, Sinai Health System
Classification: Uncertain significance for Malignant tumor of breast. Review status: no assertion criteria provided. Collection method: clinical testing. Allele origin: unknown. Affected: yes. Observed: 1 variant allele. Study: The Canadian Open Genetics Repository (COGR). Not counted in ClinVar's aggregate classification.
Comment: The BRCA2 p.Ile1000Thr variant was not identified in the literature, nor was it identified in the dbSNP, 1000 Genomes Project, NHLBI Exome Sequencing Project, HGMD, LOVD, COSMIC, UMD, or BIC databases. The p.Ile1000 residue is not conserved in mammals and computational analyses (PolyPhen-2, SIFT, AlignGVGD) do not suggest a high likelihood of impact of the variant amino acid to the protein. However, this information is not predictive enough to rule out pathogenicity. In summary, based on the above information, the clinical significance of this variant cannot be determined with certainty at this time. This variant is classified as a variant of unknown significance.

Literature cited by the submitters: PubMed 26295337 (cited by Quest Diagnostics Nichols Institute San Juan Capistrano).

NM_000059.4(BRCA2):c.2999T>C (p.Ile1000Thr)

Gene: BRCA2 (BRCA2 DNA repair associated; plus strand). Cytogenetic location: 13q13.1.
Variant type: single nucleotide variant.
Coding change: c.2999T>C on transcript NM_000059.4 (MANE Select); coding-DNA position 2999, T replaced by C.
Protein change: p.Ile1000Thr; replaces isoleucine 1000 with threonine.
Molecular consequence: missense variant.
Genome position (GRCh38, 1-based): chr13:32,337,354, T>C. VCF-style: chr13-32337354-T-C. GRCh37 (hg19) VCF-style: chr13-32911491-T-C.
Other names: p.I1000T:ATT>ACT; short protein forms I1000T.
Identifiers: ClinVar variation 142073 (VCV000142073.23), dbSNP rs374769365, ClinGen allele CA016996.